The following is an entry in ClinVar:

NM_000258.3(MYL3):c.20A>G (p.Glu7Gly)

Gene: MYL3 (myosin light chain 3; minus strand). Cytogenetic location: 3p21.31.
Variant type: single nucleotide variant.
Coding change: c.20A>G on transcript NM_000258.3 (MANE Select); coding-DNA position 20, A replaced by G.
Protein change: p.Glu7Gly; replaces glutamic acid 7 with glycine.
Molecular consequence: missense variant.
Genome position (GRCh38, 1-based): chr3:46,863,371, T>C on the plus strand (A>G on the coding strand, the complement: MYL3 is on the minus strand). VCF-style: chr3-46863371-T-C. GRCh37 (hg19) VCF-style: chr3-46904861-T-C.
Other names: c.20A>G, p.Glu7Gly (NM_001406937.1, NM_001406938.1, NM_001406939.1); short protein forms E7G.
Identifiers: ClinVar variation 4776968 (VCV004776968.1).

ClinVar aggregate classification (germline): Uncertain significance (1 of 4 stars; one submission).

Conditions:
Hypertrophic cardiomyopathy. Also called: HYPERTROPHIC MYOCARDIOPATHY. Identifiers: Orphanet 217569, MedGen C0007194, MeSH D002312, MONDO:0005045, HP:0001639.

Submission:

Labcorp Genetics (formerly Invitae), Labcorp
Classification: Uncertain significance for Hypertrophic cardiomyopathy. Last evaluated: 2025-08-03. Review status: criteria provided, single submitter. Criteria: Invitae Variant Classification Sherloc (09022015). Collection method: clinical testing. Allele origin: germline.
Comment: This sequence change replaces glutamic acid, which is acidic and polar, with glycine, which is neutral and non-polar, at codon 7 of the MYL3 protein (p.Glu7Gly). This variant is not present in population databases (gnomAD no frequency). This variant has not been reported in the literature in individuals affected with MYL3-related conditions. Experimental studies and prediction algorithms are not available or were not evaluated, and the functional significance of this variant is currently unknown. In summary, the available evidence is currently insufficient to determine the role of this variant in disease. Therefore, it has been classified as a Variant of Uncertain Significance.